The following is an entry in ClinVar:

NM_004963.4(GUCY2C):c.2537T>C (p.Val846Ala)

Gene: GUCY2C (guanylate cyclase 2C; minus strand). Cytogenetic location: 12p12.3.
Variant type: single nucleotide variant.
Coding change: c.2537T>C on transcript NM_004963.4 (MANE Select); coding-DNA position 2537, T replaced by C.
Protein change: p.Val846Ala; replaces valine 846 with alanine.
Molecular consequence: missense variant.
Genome position (GRCh38, 1-based): chr12:14,622,069, A>G on the plus strand (T>C on the coding strand, the complement: GUCY2C is on the minus strand). VCF-style: chr12-14622069-A-G. GRCh37 (hg19) VCF-style: chr12-14775003-A-G.
Other names: short protein forms V846A.
Identifiers: ClinVar variation 2105420 (VCV002105420.4), dbSNP rs771177780, ClinGen allele CA383995042.

ClinVar aggregate classification (germline): Uncertain significance (1 of 4 stars; one submission).

Submission:

Labcorp Genetics (formerly Invitae), Labcorp
Classification: Uncertain significance. Last evaluated: 2022-03-20. Review status: criteria provided, single submitter. Criteria: Invitae Variant Classification Sherloc (09022015). Collection method: clinical testing. Allele origin: germline.
Comment: This variant is not present in population databases (gnomAD no frequency). This sequence change replaces valine, which is neutral and non-polar, with alanine, which is neutral and non-polar, at codon 846 of the GUCY2C protein (p.Val846Ala). This variant has not been reported in the literature in individuals affected with GUCY2C-related conditions. Algorithms developed to predict the effect of missense changes on protein structure and function are either unavailable or do not agree on the potential impact of this missense change (SIFT: "Deleterious"; PolyPhen-2: "Probably Damaging"; Align-GVGD: "Class C0"). In summary, the available evidence is currently insufficient to determine the role of this variant in disease. Therefore, it has been classified as a Variant of Uncertain Significance.